The following is an entry in ClinVar:

ClinVar aggregate classification (germline): Uncertain significance. Review status: criteria provided, single submitter (1 of 4 stars). 2 submissions from 2 submitters: Uncertain significance (1). 1 of the submissions does not count toward it. Last evaluated 2025-08-18.

Conditions:
Glycogen storage disease, type I. Identifiers: Orphanet 364, MedGen C0017920, MONDO:0002413.
Glucose-6-phosphate transport defect (GSD1B). Also called: Glycogen Storage Disease Type Ib; GSD Ib. Identifiers: Orphanet 364, Orphanet 79259, MedGen C0268146, MONDO:0009288, OMIM 232220.

Submissions (2):

Myriad Genetics, Inc.
Classification: Uncertain significance for Glycogen storage disease, type I. Last evaluated: 2025-08-18. Review status: criteria provided, single submitter. Criteria: Myriad Autosomal Dominant, Autosomal Recessive and X-Linked Classification Criteria (2023). Collection method: clinical testing. Allele origin: unknown.
Comment: NM_001164277.1(SLC37A4):c.870G>C(K290N) is a missense variant classified as a variant of uncertain significance in the context of glycogen storage disease type Ib. K290N has not been observed in cases with relevant disease. Relevant functional assessments of this variant are not available in the literature. K290N has not been observed in referenced population frequency databases. In summary, there is insufficient evidence to classify NM_001164277.1(SLC37A4):c.870G>C(K290N) as pathogenic or benign. Please note: this variant was assessed in the context of healthy population screening.

Counsyl
Classification: Uncertain significance for Glucose-6-phosphate transport defect. Last evaluated: 2017-12-07. Review status: no assertion criteria provided. Collection method: clinical testing. Allele origin: unknown. Not counted in ClinVar's aggregate classification.

NM_001164277.2(SLC37A4):c.870G>C (p.Lys290Asn)

Gene: SLC37A4 (solute carrier family 37 member 4; minus strand). Cytogenetic location: 11q23.3.
Variant type: single nucleotide variant.
Coding change: c.870G>C on transcript NM_001164277.2 (MANE Select); coding-DNA position 870, G replaced by C.
Protein change: p.Lys290Asn; replaces lysine 290 with asparagine.
Molecular consequence: missense variant.
Genome position (GRCh38, 1-based): chr11:119,026,603, C>G on the plus strand (G>C on the coding strand, the complement: SLC37A4 is on the minus strand). VCF-style: chr11-119026603-C-G. GRCh37 (hg19) VCF-style: chr11-118897313-C-G.
Other names: c.870G>C, p.Lys290Asn (NM_001164278.2, NM_001164280.2, NM_001467.6); c.651G>C, p.Lys217Asn (NM_001164279.2); short protein forms K290N, K217N.
Identifiers: ClinVar variation 555360 (VCV000555360.3), dbSNP rs1555190931, ClinGen allele CA382899882.